The following is an entry in ClinVar:

NM_182746.3(MCM4):c.998C>G (p.Thr333Ser)

Gene: MCM4 (minichromosome maintenance complex component 4; plus strand). Cytogenetic location: 8q11.21.
Variant type: single nucleotide variant.
Coding change: c.998C>G on transcript NM_182746.3 (MANE Select); coding-DNA position 998, C replaced by G.
Protein change: p.Thr333Ser; replaces threonine 333 with serine.
Molecular consequence: missense variant.
Genome position (GRCh38, 1-based): chr8:47,966,352, C>G. VCF-style: chr8-47966352-C-G. GRCh37 (hg19) VCF-style: chr8-48878912-C-G.
Other names: c.998C>G, p.Thr333Ser (NM_005914.4); short protein forms T333S.
Identifiers: ClinVar variation 1387296 (VCV001387296.6), dbSNP rs2154505149, ClinGen allele CA371149483.

ClinVar aggregate classification (germline): Uncertain significance (1 of 4 stars; one submission).

Submission:

Labcorp Genetics (formerly Invitae), Labcorp
Classification: Uncertain significance. Last evaluated: 2024-12-16. Review status: criteria provided, single submitter. Criteria: Invitae Variant Classification Sherloc (09022015). Collection method: clinical testing. Allele origin: germline.
Comment: This sequence change replaces threonine, which is neutral and polar, with serine, which is neutral and polar, at codon 333 of the MCM4 protein (p.Thr333Ser). This variant is not present in population databases (gnomAD no frequency). This variant has not been reported in the literature in individuals affected with MCM4-related conditions. ClinVar contains an entry for this variant (Variation ID: 1387296). Invitae Evidence Modeling of protein sequence and biophysical properties (such as structural, functional, and spatial information, amino acid conservation, physicochemical variation, residue mobility, and thermodynamic stability) indicates that this missense variant is not expected to disrupt MCM4 protein function with a negative predictive value of 80%. In summary, the available evidence is currently insufficient to determine the role of this variant in disease. Therefore, it has been classified as a Variant of Uncertain Significance.